The following is an entry in ClinVar:

ClinVar aggregate classification (germline): Benign/Likely benign. Review status: criteria provided, multiple submitters, no conflicts (2 of 4 stars). 2 submissions from 2 submitters: Benign (1); Likely benign (1). Last evaluated 2026-09-01.

Allele frequency attached by ClinVar (database versions not stated): 1000 Genomes Project 30x 0.00156; 1000 Genomes Project 0.00200; TOPMed 0.00345; ESP Exome Variant Server 0.00392; gnomAD exomes 0.00580 and 0.00661; ExAC 0.00611; gnomAD 0.00654 and 0.00690.
gnomAD v4.1: 9,396 of 1,613,820 alleles (0.58%); highest among the groups gnomAD compares: Non-Finnish European, 0.56%; 64 homozygotes.

Submissions (2):

CeGaT Center for Human Genetics Tuebingen
Classification: Likely benign. Last evaluated: 2026-09-01. Review status: criteria provided, single submitter. Criteria: CeGaT Center For Human Genetics Tuebingen Variant Classification Criteria Version 2. Collection method: clinical testing. Allele origin: germline. Affected: yes. Observed: 24 variant alleles.
Comment: GRIA1: BP4, BP7, BS2

Labcorp Genetics (formerly Invitae), Labcorp
Classification: Benign. Last evaluated: 2019-12-31. Review status: criteria provided, single submitter. Criteria: Invitae Variant Classification Sherloc (09022015). Collection method: clinical testing. Allele origin: germline.

NM_000827.4(GRIA1):c.81C>A (p.Ile27=)

Gene: GRIA1 (glutamate ionotropic receptor AMPA type subunit 1; plus strand). Cytogenetic location: 5q33.2.
Variant type: single nucleotide variant.
Coding change: c.81C>A on transcript NM_000827.4 (MANE Select); coding-DNA position 81, C replaced by A.
Protein change: p.Ile27=; no amino-acid change (isoleucine 27 retained).
Molecular consequence: synonymous variant. On other transcripts: 5 prime UTR variant (3), non-coding transcript variant (2).
Genome position (GRCh38, 1-based): chr5:153,490,969, C>A. VCF-style: chr5-153490969-C-A. GRCh37 (hg19) VCF-style: chr5-152870529-C-A.
Other names: c.81C>A, p.Ile27= (NM_001114183.2, NM_001258019.2, NM_001364165.2); c.-262C>A (NM_001258020.2); c.-340C>A (NM_001364166.2); c.-489C>A (NM_001364167.2).
Identifiers: ClinVar variation 717700 (VCV000717700.17), dbSNP rs150205263, ClinGen allele CA3524183.